The following is an entry in ClinVar:

NM_005751.5(AKAP9):c.9338A>G (p.Glu3113Gly)

Gene: AKAP9 (A-kinase anchoring protein 9; plus strand). Cytogenetic location: 7q21.2.
Variant type: single nucleotide variant.
Coding change: c.9338A>G on transcript NM_005751.5 (MANE Select); coding-DNA position 9338, A replaced by G.
Protein change: p.Glu3113Gly; replaces glutamic acid 3113 with glycine.
Molecular consequence: missense variant.
Genome position (GRCh38, 1-based): chr7:92,089,509, A>G. VCF-style: chr7-92089509-A-G. GRCh37 (hg19) VCF-style: chr7-91718823-A-G.
Other names: c.3983A>G, p.Glu1328Gly (NM_001379277.1); c.9314A>G, p.Glu3105Gly (NM_147185.3); short protein forms E1328G, E3105G, E3113G.
Identifiers: ClinVar variation 4703750 (VCV004703750.1).
Genomic context (GRCh38, chr7:92,089,509, plus strand): 5'-AAATTCAGGCACTGCATGCACAAATGAATGGTAGGAAAATTACTCTGAAAAGAGAACAAG[A>G]GAGTGAGAAACCAAGCCAAGGTATGTTGTATGACAAGCTCATATGGTTACACAAACAGGT-3'
Protein context (NP_005742.4, residues 3103-3123): GRKITLKREQ[Glu3113Gly]SEKPSQELLE

ClinVar aggregate classification (germline): Uncertain significance (1 of 4 stars; one submission).

Conditions:
Long QT syndrome (LQTS). Identifiers: MedGen C0023976, MeSH D008133, MONDO:0002442. Disease mechanism: loss of function. Inheritance: Various modes of inheritance.

gnomAD v4.1: 2 of 1,613,414 alleles (0.00012%); highest among the groups gnomAD compares: Non-Finnish European, 0.00017%; no homozygotes.

Submission:

Labcorp Genetics (formerly Invitae), Labcorp
Classification: Uncertain significance for Long QT syndrome. Last evaluated: 2025-08-03. Review status: criteria provided, single submitter. Criteria: Invitae Variant Classification Sherloc (09022015). Collection method: clinical testing. Allele origin: germline.
Comment: This sequence change replaces glutamic acid, which is acidic and polar, with glycine, which is neutral and non-polar, at codon 3113 of the AKAP9 protein (p.Glu3113Gly). This variant is present in population databases (no rsID available, gnomAD 0.007%). This variant has not been reported in the literature in individuals affected with AKAP9-related conditions. An algorithm developed to predict the effect of missense changes on protein structure and function outputs the following: PolyPhen-2: "Benign". The glycine amino acid residue is found in multiple mammalian species, which suggests that this missense change does not adversely affect protein function. In summary, the available evidence is currently insufficient to determine the role of this variant in disease. Therefore, it has been classified as a Variant of Uncertain Significance.